The following is an entry in ClinVar:

NM_005732.4(RAD50):c.1924T>G (p.Leu642Val)

Gene: RAD50 (RAD50 double strand break repair protein; plus strand). Cytogenetic location: 5q31.1.
Variant type: single nucleotide variant.
Coding change: c.1924T>G on transcript NM_005732.4 (MANE Select); coding-DNA position 1924, T replaced by G.
Protein change: p.Leu642Val; replaces leucine 642 with valine.
Molecular consequence: missense variant.
Genome position (GRCh38, 1-based): chr5:132,594,999, T>G. VCF-style: chr5-132594999-T-G. GRCh37 (hg19) VCF-style: chr5-131930691-T-G.
Other names: short protein forms L642V.
Identifiers: ClinVar variation 187441 (VCV000187441.19), dbSNP rs201132221, ClinGen allele CA197658.
Genomic context (GRCh38, chr5:132,594,999, plus strand): 5'-TTGTCCAGTTACGAAGACAAGCTGTTTGATGTTTGTGGTAGCCAGGATTTTGAAAGTGAT[T>G]TAGACAGGCTTAAAGAGGAAATTGAAAAATCATCAAAACAGCGAGGTAAGTTGTCTACTT-3'
Protein context (NP_005723.2, residues 632-652): VCGSQDFESD[Leu642Val]DRLKEEIEKS

ClinVar aggregate classification (germline): Uncertain significance. Review status: criteria provided, multiple submitters, no conflicts (2 of 4 stars). 5 submissions from 5 submitters: Uncertain significance (5). Last evaluated 2025-12-03.

Conditions:
Hereditary cancer-predisposing syndrome. Also called: Neoplastic Syndromes, Hereditary; Tumor predisposition; Hereditary Cancer Syndrome; Hereditary neoplastic syndrome. Identifiers: Orphanet 140162, MedGen C0027672, MeSH D009386, MONDO:0015356.
Hereditary breast ovarian cancer syndrome. Also called: Hereditary breast and ovarian cancer; Hereditary breast and/or ovarian cancer syndrome; BRCA1- and BRCA2-Associated Hereditary Breast and Ovarian Cancer; Hereditary breast and ovarian cancer syndrome (HBOC); Hereditary breast and ovarian cancer syndrome; Breast and ovarian cancer. Identifiers: Orphanet 145, MedGen C0677776, MeSH D061325, MONDO:0003582. Disease mechanism: loss of function.

Allele frequency attached by ClinVar (database versions not stated): gnomAD 0.00005 and 0.00001; gnomAD exomes 0.00009 and 0.00002; 1000 Genomes Project 30x 0.00016; 1000 Genomes Project 0.00020; TOPMed 0.00001; ExAC 0.00003.
gnomAD v4.1: 137 of 1,613,848 alleles (0.0085%); highest among the groups gnomAD compares: East Asian, 0.31%; no homozygotes.

Submissions (5):

Labcorp Genetics (formerly Invitae), Labcorp
Classification: Uncertain significance for Hereditary cancer-predisposing syndrome. Last evaluated: 2025-12-03. Review status: criteria provided, single submitter. Criteria: Invitae Variant Classification Sherloc (09022015). Collection method: clinical testing. Allele origin: germline.
Comment: This sequence change replaces leucine, which is neutral and non-polar, with valine, which is neutral and non-polar, at codon 642 of the RAD50 protein (p.Leu642Val). This variant is present in population databases (rs201132221, gnomAD 0.03%). This variant has not been reported in the literature in individuals affected with RAD50-related conditions. ClinVar contains an entry for this variant (Variation ID: 187441). Invitae Evidence Modeling of protein sequence and biophysical properties (such as structural, functional, and spatial information, amino acid conservation, physicochemical variation, residue mobility, and thermodynamic stability) indicates that this missense variant is not expected to disrupt RAD50 protein function with a negative predictive value of 80%. In summary, the available evidence is currently insufficient to determine the role of this variant in disease. Therefore, it has been classified as a Variant of Uncertain Significance.

Ambry Genetics
Classification: Uncertain significance for Hereditary cancer-predisposing syndrome. Last evaluated: 2025-11-03. Review status: criteria provided, single submitter. Criteria: Ambry Variant Classification Scheme 2023. Collection method: clinical testing. Allele origin: germline.
Comment: The p.L642V variant (also known as c.1924T>G), located in coding exon 12 of the RAD50 gene, results from a T to G substitution at nucleotide position 1924. The leucine at codon 642 is replaced by valine, an amino acid with highly similar properties. This variant was reported in 4/60,466 breast cancer cases and in 4/53,461 controls (Dorling et al. N Engl J Med. 2021 02;384:428-439). This amino acid position is highly conserved in available vertebrate species. In addition, the in silico prediction for this alteration is inconclusive. Since supporting evidence is limited at this time, the clinical significance of this alteration remains unclear.

Women's Health and Genetics/Laboratory Corporation of America, LabCorp
Classification: Uncertain significance. Last evaluated: 2024-08-12. Review status: criteria provided, single submitter. Criteria: LabCorp Variant Classification Summary - May 2015. Collection method: clinical testing. Allele origin: germline.
Comment: Variant summary: RAD50 c.1924T>G (p.Leu642Val) results in a conservative amino acid change located in the RAD50, zinc hook (IPR013134) of the encoded protein sequence. Three of five in-silico tools predict a benign effect of the variant on protein function. The variant allele was found at a frequency of 2e-05 in 251316 control chromosomes. The available data on variant occurrences in the general population are insufficient to allow any conclusion about variant significance. c.1924T>G has been reported in the literature in at least one individual affected with prostate cancer, without evidence of causality (e.g. So_2022). This report does not provide unequivocal conclusions about association of the variant with Hereditary Breast And Ovarian Cancer Syndrome. To our knowledge, no experimental evidence demonstrating an impact on protein function has been reported. The following publication has been ascertained in the context of this evaluation (PMID: 35534218). ClinVar contains an entry for this variant (Variation ID: 187441). Based on the evidence outlined above, the variant was classified as uncertain significance.

Quest Diagnostics Nichols Institute San Juan Capistrano
Classification: Uncertain significance. Last evaluated: 2023-05-05. Review status: criteria provided, single submitter. Criteria: Quest Diagnostics criteria. Collection method: clinical testing. Allele origin: unknown.
Comment: In a breast cancer association study, the variant was observed in breast cancer cases as well as in control subjects (see LOVD and PMID: 33471991 (2021)). The frequency of this variant in the general population, 0.00027 (5/18390 chromosomes), is uninformative in assessment of its pathogenicity. Analysis of this variant using bioinformatics tools for the prediction of the effect of amino acid changes on protein structure and function yielded conflicting predictions that this variant is benign or damaging. Based on the available information, we are unable to determine the clinical significance of this variant.

Cancer Genomics Group, Japanese Foundation For Cancer Research
Classification: Uncertain significance for Hereditary breast and ovarian cancer syndrome. Last evaluated: 2019-05-01. Review status: criteria provided, single submitter. Criteria: ACMG Guidelines, 2015. Collection method: research. Allele origin: germline. Affected: yes.

Literature cited by the submitters: PubMed 33471991 (cited by Ambry Genetics and Quest Diagnostics Nichols Institute San Juan Capistrano); PubMed 35534218 (cited by Women's Health and Genetics/Laboratory Corporation of America, LabCorp).